The following is an entry in ClinVar:

NM_005428.4(VAV1):c.1627G>A (p.Gly543Ser)

Gene: VAV1 (vav guanine nucleotide exchange factor 1; plus strand). Cytogenetic location: 19p13.3.
Variant type: single nucleotide variant.
Coding change: c.1627G>A on transcript NM_005428.4 (MANE Select); coding-DNA position 1627, G replaced by A.
Protein change: p.Gly543Ser; replaces glycine 543 with serine.
Molecular consequence: missense variant.
Genome position (GRCh38, 1-based): chr19:6,833,544, G>A. VCF-style: chr19-6833544-G-A. GRCh37 (hg19) VCF-style: chr19-6833555-G-A.
Other names: c.1627G>A, p.Gly543Ser (NM_001258206.2); c.1531G>A, p.Gly511Ser (NM_001258207.2); short protein forms G511S, G543S.
Identifiers: ClinVar variation 4767971 (VCV004767971.1).

ClinVar aggregate classification (germline): Uncertain significance (1 of 4 stars; one submission).

Submission:

Labcorp Genetics (formerly Invitae), Labcorp
Classification: Uncertain significance. Last evaluated: 2026-01-08. Review status: criteria provided, single submitter. Criteria: Invitae Variant Classification Sherloc (09022015). Collection method: clinical testing. Allele origin: germline.
Comment: This sequence change replaces glycine, which is neutral and non-polar, with serine, which is neutral and polar, at codon 543 of the VAV1 protein (p.Gly543Ser). This variant is not present in population databases (gnomAD no frequency). This variant has not been reported in the literature in individuals affected with VAV1-related conditions. An algorithm developed to predict the effect of missense changes on protein structure and function (PolyPhen-2) suggests that this variant is likely to be disruptive. In summary, the available evidence is currently insufficient to determine the role of this variant in disease. Therefore, it has been classified as a Variant of Uncertain Significance.